The following is an entry in ClinVar:

NM_007294.4(BRCA1):c.3770A>G (p.Glu1257Gly)

Genes: BRCA1 (BRCA1 DNA repair associated; minus strand), LOC126862571 (BRD4-independent group 4 enhancer GRCh37_chr17:41243136-41244335; plus strand). Cytogenetic location: 17q21.31.
Variant type: single nucleotide variant.
Coding change: c.3770A>G on transcript NM_007294.4 (MANE Select); coding-DNA position 3770, A replaced by G.
Protein change: p.Glu1257Gly; replaces glutamic acid 1257 with glycine.
Molecular consequence: missense variant. On other transcripts: intron variant (135).
Genome position (GRCh38, 1-based): chr17:43,091,761, T>C on the plus strand (A>G on the coding strand, the complement: BRCA1 is on the minus strand). VCF-style: chr17-43091761-T-C. GRCh37 (hg19) VCF-style: chr17-41243778-T-C.
Other names: c.3629A>G, p.Glu1210Gly (NM_001407731.1, NM_007297.4, NM_001407734.1 and 29 more transcripts); c.2882A>G, p.Glu961Gly (NM_001407966.1, NM_001407967.1); c.1166A>G, p.Glu389Gly (NM_001407968.1, NM_001407969.1); c.3770A>G, p.Glu1257Gly (NM_007300.4, NM_001407581.1, NM_001407582.1 and 30 more transcripts); c.3557A>G, p.Glu1186Gly (NM_001407571.1, NM_001407853.1, NM_001407894.1 and 9 more transcripts); c.3767A>G, p.Glu1256Gly (NM_001407587.1, NM_001407590.1, NM_001407591.1 and 22 more transcripts); c.3761A>G, p.Glu1254Gly (NM_001407646.1, NM_001407647.1); c.3647A>G, p.Glu1216Gly (NM_001407648.1, NM_001407664.1, NM_001407665.1 and 19 more transcripts); and 41 more; short protein forms E1210G, E1257G, E1190G, E1216G, E961G, E1089G, E1145G, E1168G.
Identifiers: ClinVar variation 824187 (VCV000824187.7), dbSNP rs1597861451, ClinGen allele CA10594431.

ClinVar aggregate classification (germline): Conflicting classifications of pathogenicity. Review status: criteria provided, conflicting classifications (1 of 4 stars). 2 submissions from 2 submitters: Uncertain significance (1); Likely benign (1). Last evaluated 2023-03-23.

Conditions:
Hereditary cancer-predisposing syndrome. Also called: Neoplastic Syndromes, Hereditary; Tumor predisposition; Hereditary neoplastic syndrome; Hereditary Cancer Syndrome. Identifiers: Orphanet 140162, MedGen C0027672, MeSH D009386, MONDO:0015356.

Submissions (2):

University of Washington Department of Laboratory Medicine, University of Washington
Classification: Likely benign for Hereditary cancer-predisposing syndrome. Last evaluated: 2023-03-23. Review status: criteria provided, single submitter. Criteria: Dines et al. (Genet Med. 2020). Collection method: curation. Allele origin: germline.
Comment: Missense variant in a coldspot region where missense variants are very unlikely to be pathogenic (PMID:31911673).

BRCA1 coldspot (exon 11 using historical exon numbering). Reclassification based on statistical prior probability

Ambry Genetics
Classification: Uncertain significance for Hereditary cancer-predisposing syndrome. Last evaluated: 2018-07-26. Review status: criteria provided, single submitter. Criteria: Ambry Variant Classification Scheme 2023. Collection method: clinical testing. Allele origin: germline.
Comment: The p.E1257G variant (also known as c.3770A>G), located in coding exon 9 of the BRCA1 gene, results from an A to G substitution at nucleotide position 3770. The glutamic acid at codon 1257 is replaced by glycine, an amino acid with similar properties. This amino acid position is not well conserved in available vertebrate species. In addition, the in silico prediction for this alteration is inconclusive. Since supporting evidence is limited at this time, the clinical significance of this alteration remains unclear.